The following is an entry in ClinVar:

NM_001195263.2(PDZD7):c.2473C>T (p.Pro825Ser)

Gene: PDZD7 (PDZ domain containing 7; minus strand). Cytogenetic location: 10q24.31.
Variant type: single nucleotide variant.
Coding change: c.2473C>T on transcript NM_001195263.2 (MANE Select); coding-DNA position 2473, C replaced by T.
Protein change: p.Pro825Ser; replaces proline 825 with serine.
Molecular consequence: missense variant.
Genome position (GRCh38, 1-based): chr10:101,010,416, G>A on the plus strand (C>T on the coding strand, the complement: PDZD7 is on the minus strand). VCF-style: chr10-101010416-G-A. GRCh37 (hg19) VCF-style: chr10-102770173-G-A.
Other names: short protein forms P825S.
Identifiers: ClinVar variation 2578202 (VCV002578202.1), dbSNP rs2492780070, ClinGen allele CA378224087.

ClinVar aggregate classification (germline): Uncertain significance (1 of 4 stars; one submission).

Submission:

GeneDx
Classification: Uncertain significance. Last evaluated: 2023-03-01. Review status: criteria provided, single submitter. Criteria: GeneDx Variant Classification Process June 2021. Collection method: clinical testing. Allele origin: germline. Affected: yes.
Comment: Not observed at significant frequency in large population cohorts (gnomAD); In silico analysis supports that this missense variant does not alter protein structure/function; Has not been previously published as pathogenic or benign to our knowledge